The following is an entry in ClinVar:

ClinVar aggregate classification (germline): Uncertain significance (1 of 4 stars; one submission).

Conditions:
Familial adenomatous polyposis 1 (FAP1). Also called: FAMILIAL ADENOMATOUS POLYPOSIS 1, ATTENUATED; POLYPOSIS, ADENOMATOUS INTESTINAL. Identifiers: MedGen C2713442, MONDO:0021056, OMIM 175100. Disease mechanism: loss of function.

Submission:

Labcorp Genetics (formerly Invitae), Labcorp
Classification: Uncertain significance for Familial adenomatous polyposis 1. Last evaluated: 2025-05-25. Review status: criteria provided, single submitter. Criteria: Invitae Variant Classification Sherloc (09022015). Collection method: clinical testing. Allele origin: germline.
Comment: This sequence change replaces aspartic acid, which is acidic and polar, with valine, which is neutral and non-polar, at codon 170 of the APC protein (p.Asp170Val). This variant is not present in population databases (gnomAD no frequency). This variant has not been reported in the literature in individuals affected with APC-related conditions. Invitae Evidence Modeling of protein sequence and biophysical properties (such as structural, functional, and spatial information, amino acid conservation, physicochemical variation, residue mobility, and thermodynamic stability) indicates that this missense variant is not expected to disrupt APC protein function with a negative predictive value of 95%. In summary, the available evidence is currently insufficient to determine the role of this variant in disease. Therefore, it has been classified as a Variant of Uncertain Significance.

NM_000038.6(APC):c.509A>T (p.Asp170Val)

Gene: APC (APC regulator of Wnt signaling pathway; plus strand). Cytogenetic location: 5q22.2.
Variant type: single nucleotide variant.
Coding change: c.509A>T on transcript NM_000038.6 (MANE Select); coding-DNA position 509, A replaced by T.
Protein change: p.Asp170Val; replaces aspartic acid 170 with valine.
Molecular consequence: missense variant. On other transcripts: 5 prime UTR variant (4), non-coding transcript variant (2).
Genome position (GRCh38, 1-based): chr5:112,775,715, A>T. VCF-style: chr5-112775715-A-T. GRCh37 (hg19) VCF-style: chr5-112111412-A-T.
Other names: c.509A>T, p.Asp170Val (NM_001127510.3, NM_001354895.2, NM_001354896.2 and 16 more transcripts); c.539A>T, p.Asp180Val (NM_001127511.3, NM_001354897.2, NM_001354902.2 and 1 more transcripts); c.434A>T, p.Asp145Val (NM_001354898.2, NM_001354904.2, NM_001407451.1); c.332A>T, p.Asp111Val (NM_001354900.2, NM_001354901.2, NM_001354905.2 and 1 more transcripts); c.-527A>T (NM_001354906.2, NM_001407470.1, NM_001407471.1 and 1 more transcripts); short protein forms D170V, D145V, D111V, D180V.
Identifiers: ClinVar variation 4779765 (VCV004779765.1).